The following is an entry in ClinVar:

NM_022841.7(RFX7):c.930A>T (p.Lys310Asn)

Gene: RFX7 (regulatory factor X7; minus strand). Cytogenetic location: 15q21.3.
Variant type: single nucleotide variant.
Coding change: c.930A>T on transcript NM_022841.7 (MANE Select); coding-DNA position 930, A replaced by T.
Protein change: p.Lys310Asn; replaces lysine 310 with asparagine.
Molecular consequence: missense variant.
Genome position (GRCh38, 1-based): chr15:56,098,258, T>A on the plus strand (A>T on the coding strand, the complement: RFX7 is on the minus strand). VCF-style: chr15-56098258-T-A. GRCh37 (hg19) VCF-style: chr15-56390456-T-A.
Other names: c.639A>T, p.Lys213Asn (NM_001368073.2, NM_001368074.1, NM_001370554.1); c.930A>T, p.Lys310Asn (NM_001370561.1); short protein forms K213N, K310N.
Identifiers: ClinVar variation 3390396 (VCV003390396.1).
Genomic context (GRCh38, chr15:56,098,258, plus strand): 5'-TGCTGCAGATTCTCCTGGCAAAGGGGATTGTAGTTTCTGTTCTTGCTGCTTCTTCTGGAT[T>A]TTCCGTTGCAACTGCTGTTTAGCATCAATTGGAGATGGCAAAGTCTTCACCTGAGGCTGA-3'
Protein context (NP_073752.6, residues 300-320): PIDAKQQLQR[Lys310Asn]IQKKQQEQKL

ClinVar aggregate classification (germline): Uncertain significance (1 of 4 stars; one submission).

Submission:

GeneDx
Classification: Uncertain significance. Last evaluated: 2024-06-10. Review status: criteria provided, single submitter. Criteria: GeneDx Variant Classification Process June 2021. Collection method: clinical testing. Allele origin: germline. Affected: yes.
Comment: Not observed at significant frequency in large population cohorts (gnomAD); In silico analysis supports that this missense variant has a deleterious effect on protein structure/function; Has not been previously published as pathogenic or benign to our knowledge